The following is an entry in ClinVar:

NM_000424.4(KRT5):c.990C>A (p.Asn330Lys)

Gene: KRT5 (keratin 5; minus strand). Cytogenetic location: 12q13.13.
Variant type: single nucleotide variant.
Coding change: c.990C>A on transcript NM_000424.4 (MANE Select); coding-DNA position 990, C replaced by A.
Protein change: p.Asn330Lys; replaces asparagine 330 with lysine.
Molecular consequence: missense variant.
Genome position (GRCh38, 1-based): chr12:52,517,692, G>T on the plus strand (C>A on the coding strand, the complement: KRT5 is on the minus strand). VCF-style: chr12-52517692-G-T. GRCh37 (hg19) VCF-style: chr12-52911476-G-T.
Other names: short protein forms N330K.
Identifiers: ClinVar variation 3635231 (VCV003635231.2).
Genomic context (GRCh38, chr12:52,517,692, plus strand): 5'-GGCAATCTCCTCATACTGGGCCTTGACCTCAGCGATGATGCTATCCAGGTCCAGGTTGCG[G>T]TTGTTGTCCATGGAGAGGACCACTGAGGTGTCAGAGACATGCGTCTGCATCTGGGACAGC-3'
Protein context (NP_000415.2, residues 320-340): DTSVVLSMDN[Asn330Lys]RNLDLDSIIA

ClinVar aggregate classification (germline): Uncertain significance (1 of 4 stars; one submission).

Submission:

Labcorp Genetics (formerly Invitae), Labcorp
Classification: Uncertain significance. Last evaluated: 2025-03-06. Review status: criteria provided, single submitter. Criteria: Invitae Variant Classification Sherloc (09022015). Collection method: clinical testing. Allele origin: germline.
Comment: This sequence change replaces asparagine, which is neutral and polar, with lysine, which is basic and polar, at codon 330 of the KRT5 protein (p.Asn330Lys). This variant is not present in population databases (gnomAD no frequency). This variant has not been reported in the literature in individuals affected with KRT5-related conditions. Invitae Evidence Modeling of protein sequence and biophysical properties (such as structural, functional, and spatial information, amino acid conservation, physicochemical variation, residue mobility, and thermodynamic stability) has been performed for this missense variant. However, the output from this modeling did not meet the statistical confidence thresholds required to predict the impact of this variant on KRT5 protein function. In summary, the available evidence is currently insufficient to determine the role of this variant in disease. Therefore, it has been classified as a Variant of Uncertain Significance.